The following is an entry in ClinVar:

ClinVar aggregate classification (germline): Likely benign. Review status: criteria provided, multiple submitters, no conflicts (2 of 4 stars). 3 submissions from 3 submitters: Likely benign (3). Last evaluated 2025-09-02.

Conditions:
Inborn genetic diseases. Identifiers: MedGen C0950123, MeSH D030342.
Koolen-de Vries syndrome (KDVS). Identifiers: Orphanet 96169, MedGen C1864871, MONDO:0012496, OMIM 610443.

Allele frequency attached by ClinVar (database versions not stated): gnomAD 0.00001; TOPMed 0.00002; gnomAD exomes 0.00005 and 0.00006; ExAC 0.00007; 1000 Genomes Project 0.00020; 1000 Genomes Project 30x 0.00031.
gnomAD v4.1: 77 of 1,614,156 alleles (0.0048%); highest among the groups gnomAD compares: South Asian, 0.056%; 2 homozygotes.

Submissions (3):

Labcorp Genetics (formerly Invitae), Labcorp
Classification: Likely benign for Koolen-de Vries syndrome. Last evaluated: 2025-09-02. Review status: criteria provided, single submitter. Criteria: Invitae Variant Classification Sherloc (09022015). Collection method: clinical testing. Allele origin: germline.

Ambry Genetics
Classification: Likely benign for Inborn genetic diseases. Last evaluated: 2022-06-24. Review status: criteria provided, single submitter. Criteria: Ambry Variant Classification Scheme 2023. Collection method: clinical testing. Allele origin: germline.

GeneDx
Classification: Likely benign. Last evaluated: 2018-04-05. Review status: criteria provided, single submitter. Criteria: GeneDx Variant Classification (06012015). Collection method: clinical testing. Allele origin: germline. Affected: yes.
Comment: This variant is considered likely benign or benign based on one or more of the following criteria: it is a conservative change, it occurs at a poorly conserved position in the protein, it is predicted to be benign by multiple in silico algorithms, and/or has population frequency not consistent with disease.

NM_015443.4(KANSL1):c.1751C>T (p.Ser584Phe)

Gene: KANSL1 (KAT8 regulatory NSL complex subunit 1). Cytogenetic location: 17q21.31.
Variant type: single nucleotide variant.
Coding change: c.1751C>T on transcript NM_015443.4 (MANE Select); coding-DNA position 1751, C replaced by T.
Protein change: p.Ser584Phe; replaces serine 584 with phenylalanine.
Molecular consequence: missense variant.
Genome position (GRCh38, 1-based): chr17:46,066,634, G>A on the plus strand (C>T on the coding strand, the complement: KANSL1 is on the minus strand). VCF-style: chr17-46066634-G-A. GRCh37 (hg19) VCF-style: chr17-44144000-G-A.
Other names: c.1751C>T, p.Ser584Phe (NM_001193465.2, NM_001193466.2, NM_001379198.1); short protein forms S584F.
Identifiers: ClinVar variation 665668 (VCV000665668.11), dbSNP rs544459109, ClinGen allele CA8618736.
Genomic context (GRCh38, chr17:46,066,634, plus strand): 5'-AGCCTCCGCTTCTTACAGCTCAGTACAGGACGTGTCCGGGCTGCCACACAGGTGCCATCA[G>A]ATGATGAAGAGACGAGATTCAGTCGTTGCTTCTTATGTAATTGTTCCTCAGCATCAGAGC-3'
Protein context (NP_056258.1, residues 574-594): KQRLNLVSSS[Ser584Phe]DGTCVAARTR